The following is an entry in ClinVar:

ClinVar aggregate classification (germline): Benign/Likely benign. Review status: criteria provided, multiple submitters, no conflicts (2 of 4 stars). 6 submissions from 6 submitters: Benign (4); Likely benign (2). Last evaluated 2026-07-01.

Conditions:
Cardiovascular phenotype. Identifiers: MedGen CN230736.
DiGeorge syndrome. Also called: Catch22; THIRD AND FOURTH PHARYNGEAL POUCH SYNDROME. Identifiers: Orphanet 567, MedGen C0012236, MONDO:0008564, OMIM 188400.

Allele frequency attached by ClinVar (database versions not stated): 1000 Genomes Project 30x 0.00078; 1000 Genomes Project 0.00100; gnomAD exomes 0.00277; TOPMed 0.00281; gnomAD 0.00300 and 0.00318; ExAC 0.00303; ESP Exome Variant Server 0.00361.
gnomAD v4.1: 6,834 of 1,614,176 alleles (0.42%); highest among the groups gnomAD compares: Non-Finnish European, 0.53%; 19 homozygotes.

Submissions (6):

CeGaT Center for Human Genetics Tuebingen
Classification: Benign. Last evaluated: 2026-07-01. Review status: criteria provided, single submitter. Criteria: CeGaT Center For Human Genetics Tuebingen Variant Classification Criteria Version 2. Collection method: clinical testing. Allele origin: germline. Affected: yes. Observed: 10 variant alleles.
Comment: TBX1: BP4, BP7, BS1, BS2

Labcorp Genetics (formerly Invitae), Labcorp
Classification: Benign for DiGeorge syndrome. Last evaluated: 2026-02-02. Review status: criteria provided, single submitter. Criteria: Invitae Variant Classification Sherloc (09022015). Collection method: clinical testing. Allele origin: germline.

Blueprint Genetics
Classification: Likely benign. Last evaluated: 2024-11-28. Review status: criteria provided, single submitter. Criteria: ACMG Guidelines, 2015. Collection method: clinical testing. Allele origin: germline.

Women's Health and Genetics/Laboratory Corporation of America, LabCorp
Classification: Benign. Last evaluated: 2024-03-31. Review status: criteria provided, single submitter. Criteria: LabCorp Variant Classification Summary - May 2015. Collection method: clinical testing. Allele origin: germline.

GeneDx
Classification: Benign. Last evaluated: 2019-01-14. Review status: criteria provided, single submitter. Criteria: GeneDx Variant Classification Process June 2021. Collection method: clinical testing. Allele origin: germline. Affected: yes.

Ambry Genetics
Classification: Likely benign for Cardiovascular phenotype. Last evaluated: 2015-06-29. Review status: criteria provided, single submitter. Criteria: Ambry Variant Classification Scheme 2023. Collection method: clinical testing. Allele origin: germline.

NM_001379200.1(TBX1):c.471C>T (p.Phe157=)

Gene: TBX1 (T-box transcription factor 1; plus strand). Cytogenetic location: 22q11.21.
Variant type: single nucleotide variant.
Coding change: c.471C>T on transcript NM_001379200.1 (MANE Select); coding-DNA position 471, C replaced by T.
Protein change: p.Phe157=; no amino-acid change (phenylalanine 157 retained).
Molecular consequence: synonymous variant.
Genome position (GRCh38, 1-based): chr22:19,763,274, C>T. VCF-style: chr22-19763274-C-T. GRCh37 (hg19) VCF-style: chr22-19750797-C-T.
Other names: c.444C>T, p.Phe148= (NM_005992.1, NM_080646.2, NM_080647.1).
Identifiers: ClinVar variation 455792 (VCV000455792.54), dbSNP rs139776757, ClinGen allele CA10102443.